The following is an entry in ClinVar:

NM_004278.4(PIGL):c.262C>T (p.Arg88Cys)

Gene: PIGL (phosphatidylinositol glycan anchor biosynthesis class L; plus strand). Cytogenetic location: 17p11.2.
Variant type: single nucleotide variant.
Coding change: c.262C>T on transcript NM_004278.4 (MANE Select); coding-DNA position 262, C replaced by T.
Protein change: p.Arg88Cys; replaces arginine 88 with cysteine.
Molecular consequence: missense variant.
Genome position (GRCh38, 1-based): chr17:16,233,997, C>T. VCF-style: chr17-16233997-C-T. GRCh37 (hg19) VCF-style: chr17-16137311-C-T.
Other names: short protein forms R88C.
Identifiers: ClinVar variation 421848 (VCV000421848.3), dbSNP rs1064795400, ClinGen allele CA16620334.
Genomic context (GRCh38, chr17:16,233,997, plus strand): 5'-AAAAAATCTACCACTGTATATTTGTTACCCTCAGGAAATTACTACAATCAAGGAGAGACT[C>T]GTAAGAAAGAACTTTTGCAGAGCTGTGATGTTTTGGGGATTCCACTCTCCAGTGTAATGA-3'
Protein context (NP_004269.1, residues 78-98): AGNYYNQGET[Arg88Cys]KKELLQSCDV

ClinVar aggregate classification (germline): Likely pathogenic. Review status: criteria provided, multiple submitters, no conflicts (2 of 4 stars). 2 submissions from 2 submitters: Likely pathogenic (2). Last evaluated 2025-09-17.

Conditions:
CHIME syndrome (CHIME). Also called: GLYCOSYLPHOSPHATIDYLINOSITOL BIOSYNTHESIS DEFECT 5; COLOBOMA, CONGENITAL HEART DISEASE, ICHTHYOSIFORM DERMATOSIS, IMPAIRED INTELLECTUAL DEVELOPMENT, AND EAR ANOMALIES SYNDROME. Identifiers: Orphanet 3474, MedGen C1848392, MONDO:0010221, OMIM 280000.

Allele frequency attached by ClinVar (database versions not stated): gnomAD exomes below 0.00001.

Submissions (2):

First Genomix Gene Laboratory, Genetic Diagnostics Department
Classification: Likely pathogenic for CHIME syndrome. Last evaluated: 2025-09-17. Review status: criteria provided, single submitter. Criteria: ACMG Guidelines, 2015. Collection method: clinical testing. Allele origin: germline. Inheritance: Autosomal recessive inheritance. Affected: no. Observed: 1 variant allele.

GeneDx
Classification: Likely pathogenic. Last evaluated: 2020-03-24. Review status: criteria provided, single submitter. Criteria: GeneDx Variant Classification Process June 2021. Collection method: clinical testing. Allele origin: germline. Affected: yes.
Comment: Not observed at a significant frequency in large population cohorts (Lek et al., 2016); In silico analysis supports that this missense variant has a deleterious effect on protein structure/function; This variant is associated with the following publications: (PMID: 30581057, 30023290)